The following is an entry in ClinVar:

ClinVar aggregate classification (germline): Uncertain significance. Review status: criteria provided, multiple submitters, no conflicts (2 of 4 stars). 2 submissions from 2 submitters: Uncertain significance (2). Last evaluated 2026-09-10.

Conditions:
DNMT3A-related disorder. Also called: DNMT3A-related disorders; DNMT3A-related condition.

gnomAD v4.1: 2 of 1,613,856 alleles (0.00012%); highest among the groups gnomAD compares: African/African-American, 0.0013%; no homozygotes.

Submissions (2):

PreventionGenetics, part of Exact Sciences
Classification: Uncertain significance for DNMT3A-related condition. Last evaluated: 2026-09-10. Review status: criteria provided, single submitter. Criteria: ACMG Guidelines, 2015. Collection method: clinical testing. Allele origin: germline.
Comment: The DNMT3A c.1975C>T variant is predicted to result in the amino acid substitution p.Arg659Cys. To our knowledge, this variant has not been reported in the literature. This variant is reported in 0.00088% of alleles in individuals of European (Non-Finnish) descent in gnomAD. Of note, a different variant impacting the same amino acid (p.Arg659His) has been observed in individuals with neurodevelopmental disorders (Table S1, Kaplanis et al. 2020. PubMed ID: 33057194; Supplemental Data 3, Zhou et al. 2022. PubMed ID: 35982159) and has been documented as de novo in an individual from a Tatton- Brown- Rahman syndrome cohort (Table S1 in Thomas et al. 2024. PubMed ID: 38937076). At this time, the clinical significance of the c.1975C>T (p.Arg659Cys) variant is uncertain due to the absence of conclusive functional and genetic evidence.

GeneDx
Classification: Uncertain significance. Last evaluated: 2024-04-17. Review status: criteria provided, single submitter. Criteria: GeneDx Variant Classification Process June 2021. Collection method: clinical testing. Allele origin: germline. Affected: yes.
Comment: In silico analysis supports that this missense variant has a deleterious effect on protein structure/function; Has not been previously published as pathogenic or benign to our knowledge

NM_022552.5(DNMT3A):c.1975C>T (p.Arg659Cys)

Gene: DNMT3A (DNA methyltransferase 3 alpha; minus strand). Cytogenetic location: 2p23.3.
Variant type: single nucleotide variant.
Coding change: c.1975C>T on transcript NM_022552.5 (MANE Select); coding-DNA position 1975, C replaced by T.
Protein change: p.Arg659Cys; replaces arginine 659 with cysteine.
Molecular consequence: missense variant. On other transcripts: non-coding transcript variant (1).
Genome position (GRCh38, 1-based): chr2:25,241,669, G>A on the plus strand (C>T on the coding strand, the complement: DNMT3A is on the minus strand). VCF-style: chr2-25241669-G-A. GRCh37 (hg19) VCF-style: chr2-25464538-G-A.
Other names: c.1408C>T, p.Arg470Cys (NM_153759.3); c.1975C>T, p.Arg659Cys (NM_175629.2); c.1519C>T, p.Arg507Cys (NM_001320893.1); c.1306C>T, p.Arg436Cys (NM_001375819.1); short protein forms R436C, R470C, R507C, R659C.
Identifiers: ClinVar variation 3372719 (VCV003372719.2).